The following is an entry in ClinVar:

NM_002439.5(MSH3):c.3296C>G (p.Thr1099Arg)

Gene: MSH3 (mutS homolog 3; plus strand). Cytogenetic location: 5q14.1.
Variant type: single nucleotide variant.
Coding change: c.3296C>G on transcript NM_002439.5 (MANE Select); coding-DNA position 3296, C replaced by G.
Protein change: p.Thr1099Arg; replaces threonine 1099 with arginine.
Molecular consequence: missense variant.
Genome position (GRCh38, 1-based): chr5:80,873,281, C>G. VCF-style: chr5-80873281-C-G. GRCh37 (hg19) VCF-style: chr5-80169100-C-G.
Other names: short protein forms T1099R.
Identifiers: ClinVar variation 3222293 (VCV003222293.1), dbSNP rs545543643, ClinGen allele CA360347188.

ClinVar aggregate classification (germline): Uncertain significance (1 of 4 stars; one submission).

Conditions:
Hereditary cancer-predisposing syndrome. Also called: Tumor predisposition; Hereditary neoplastic syndrome; Hereditary Cancer Syndrome; Neoplastic Syndromes, Hereditary. Identifiers: Orphanet 140162, MedGen C0027672, MeSH D009386, MONDO:0015356.

gnomAD v4.1: 2 of 1,613,738 alleles (0.00012%); highest among the groups gnomAD compares: South Asian, 0.0011%; no homozygotes.

Submission:

Ambry Genetics
Classification: Uncertain significance for Hereditary cancer-predisposing syndrome. Last evaluated: 2023-10-19. Review status: criteria provided, single submitter. Criteria: Ambry Variant Classification Scheme 2023. Collection method: clinical testing. Allele origin: germline.
Comment: The p.T1099R variant (also known as c.3296C>G), located in coding exon 23 of the MSH3 gene, results from a C to G substitution at nucleotide position 3296. The threonine at codon 1099 is replaced by arginine, an amino acid with similar properties. This amino acid position is conserved. In addition, this alteration is predicted to be tolerated by in silico analysis. Since supporting evidence is limited at this time, the clinical significance of this alteration remains unclear.